The following is an entry in ClinVar:

NM_001365951.3(KIF1B):c.1910C>T (p.Pro637Leu)

Gene: KIF1B (kinesin family member 1B; plus strand). Cytogenetic location: 1p36.22.
Variant type: single nucleotide variant.
Coding change: c.1910C>T on transcript NM_001365951.3 (MANE Select); coding-DNA position 1910, C replaced by T.
Protein change: p.Pro637Leu; replaces proline 637 with leucine.
Molecular consequence: missense variant.
Genome position (GRCh38, 1-based): chr1:10,296,945, C>T. VCF-style: chr1-10296945-C-T. GRCh37 (hg19) VCF-style: chr1-10357003-C-T.
Other names: c.1910C>T, p.Pro637Leu (NM_001365952.1); c.1772C>T, p.Pro591Leu (NM_001365953.1, NM_015074.3, NM_183416.4); short protein forms P591L, P637L.
Identifiers: ClinVar variation 3288484 (VCV003288484.1).

ClinVar aggregate classification (germline): Uncertain significance (1 of 4 stars; one submission).

gnomAD v4.1: 1 of 1,613,968 alleles (0.000062%); highest among the groups gnomAD compares: Non-Finnish European, 0.000085%; no homozygotes.

Submission:

Ambry Genetics
Classification: Uncertain significance. Last evaluated: 2024-06-19. Review status: criteria provided, single submitter. Criteria: Ambry Variant Classification Scheme 2023. Collection method: clinical testing. Allele origin: germline.
Comment: The p.P591L variant (also known as c.1772C>T), located in coding exon 18 of the KIF1B gene, results from a C to T substitution at nucleotide position 1772. The proline at codon 591 is replaced by leucine, an amino acid with similar properties. This amino acid position is conserved. In addition, this alteration is predicted to be deleterious by in silico analysis. Based on the available evidence, the clinical significance of this variant remains unclear.